The following is an entry in ClinVar:

NM_000059.4(BRCA2):c.4144G>T (p.Glu1382Ter)

Gene: BRCA2 (BRCA2 DNA repair associated; plus strand). Cytogenetic location: 13q13.1.
Variant type: single nucleotide variant.
Coding change: c.4144G>T on transcript NM_000059.4 (MANE Select); coding-DNA position 4144, G replaced by T.
Protein change: p.Glu1382Ter; replaces glutamic acid 1382 with a stop codon.
Molecular consequence: nonsense.
Genome position (GRCh38, 1-based): chr13:32,338,499, G>T. VCF-style: chr13-32338499-G-T. GRCh37 (hg19) VCF-style: chr13-32912636-G-T.
Other names: c.4144G>T, p.Glu1382Ter (NM_001406719.1, NM_001406720.1); short protein forms E1382*.
Identifiers: ClinVar variation 1738193 (VCV001738193.7), dbSNP rs2137503335, ClinGen allele CA387779962.

ClinVar aggregate classification (germline): Pathogenic. Review status: criteria provided, multiple submitters, no conflicts (2 of 4 stars). 2 submissions from 2 submitters: Pathogenic (2). Last evaluated 2022-05-30.

Conditions:
Hereditary cancer-predisposing syndrome. Also called: Neoplastic Syndromes, Hereditary; Tumor predisposition; Hereditary Cancer Syndrome; Hereditary neoplastic syndrome. Identifiers: Orphanet 140162, MedGen C0027672, MeSH D009386, MONDO:0015356.
Hereditary breast ovarian cancer syndrome. Also called: Hereditary breast and ovarian cancer syndrome; Breast and ovarian cancer; Hereditary breast and/or ovarian cancer syndrome; Hereditary breast and ovarian cancer; BRCA1- and BRCA2-Associated Hereditary Breast and Ovarian Cancer; Hereditary breast and ovarian cancer syndrome (HBOC). Identifiers: Orphanet 145, MedGen C0677776, MeSH D061325, MONDO:0003582. Disease mechanism: loss of function.

Submissions (2):

Labcorp Genetics (formerly Invitae), Labcorp
Classification: Pathogenic for Hereditary breast ovarian cancer syndrome. Last evaluated: 2022-05-30. Review status: criteria provided, single submitter. Criteria: Invitae Variant Classification Sherloc (09022015). Collection method: clinical testing. Allele origin: germline.
Comment: For these reasons, this variant has been classified as Pathogenic. This variant has not been reported in the literature in individuals affected with BRCA2-related conditions. This variant is not present in population databases (gnomAD no frequency). This sequence change creates a premature translational stop signal (p.Glu1382*) in the BRCA2 gene. It is expected to result in an absent or disrupted protein product. Loss-of-function variants in BRCA2 are known to be pathogenic (PMID: 20104584).

Ambry Genetics
Classification: Pathogenic for Hereditary cancer-predisposing syndrome. Last evaluated: 2022-02-20. Review status: criteria provided, single submitter. Criteria: Ambry Variant Classification Scheme 2023. Collection method: clinical testing. Allele origin: germline.
Comment: The p.E1382* pathogenic mutation (also known as c.4144G>T), located in coding exon 10 of the BRCA2 gene, results from a G to T substitution at nucleotide position 4144. This changes the amino acid from a glutamic acid to a stop codon within coding exon 10. This variant is considered to be rare based on population cohorts in the Genome Aggregation Database (gnomAD). This alteration is expected to result in loss of function by premature protein truncation or nonsense-mediated mRNA decay. As such, this alteration is interpreted as a disease-causing mutation.

Literature cited by the submitters: PubMed 20104584 (cited by Labcorp Genetics (formerly Invitae), Labcorp).